The following is an entry in ClinVar:

NM_017617.5(NOTCH1):c.4568G>T (p.Arg1523Leu)

Gene: NOTCH1 (notch receptor 1; minus strand). Cytogenetic location: 9q34.3.
Variant type: single nucleotide variant.
Coding change: c.4568G>T on transcript NM_017617.5 (MANE Select); coding-DNA position 4568, G replaced by T.
Protein change: p.Arg1523Leu; replaces arginine 1523 with leucine.
Molecular consequence: missense variant.
Genome position (GRCh38, 1-based): chr9:136,505,328, C>A on the plus strand (G>T on the coding strand, the complement: NOTCH1 is on the minus strand). VCF-style: chr9-136505328-C-A. GRCh37 (hg19) VCF-style: chr9-139399780-C-A.
Other names: short protein forms R1523L.
Identifiers: ClinVar variation 1741523 (VCV001741523.5), dbSNP rs367589813, ClinGen allele CA375646465.

ClinVar aggregate classification (germline): Uncertain significance. Review status: criteria provided, multiple submitters, no conflicts (2 of 4 stars). 3 submissions from 3 submitters: Uncertain significance (3). Last evaluated 2025-02-06.

Conditions:
Adams-Oliver syndrome 5 (AOS5). Identifiers: Orphanet 974, MedGen C4014970, MONDO:0014459, OMIM 616028.
Familial thoracic aortic aneurysm and aortic dissection (TAAD). Also called: Thoracic aortic aneurysms and dissections. Identifiers: Orphanet 91387, MedGen C4707243, MONDO:0019625.

Submissions (3):

GeneDx
Classification: Uncertain significance. Last evaluated: 2025-02-06. Review status: criteria provided, single submitter. Criteria: GeneDx Variant Classification Process June 2021. Collection method: clinical testing. Allele origin: germline. Affected: yes.
Comment: Not observed at significant frequency in large population cohorts (gnomAD); In silico analysis supports that this missense variant has a deleterious effect on protein structure/function; Has not been previously published as pathogenic or benign to our knowledge

Labcorp Genetics (formerly Invitae), Labcorp
Classification: Uncertain significance for Adams-Oliver syndrome 5. Last evaluated: 2024-11-06. Review status: criteria provided, single submitter. Criteria: Invitae Variant Classification Sherloc (09022015). Collection method: clinical testing. Allele origin: germline.
Comment: This sequence change replaces arginine, which is basic and polar, with leucine, which is neutral and non-polar, at codon 1523 of the NOTCH1 protein (p.Arg1523Leu). This variant is not present in population databases (gnomAD no frequency). This variant has not been reported in the literature in individuals affected with NOTCH1-related conditions. ClinVar contains an entry for this variant (Variation ID: 1741523). Invitae Evidence Modeling of protein sequence and biophysical properties (such as structural, functional, and spatial information, amino acid conservation, physicochemical variation, residue mobility, and thermodynamic stability) indicates that this missense variant is not expected to disrupt NOTCH1 protein function with a negative predictive value of 80%. In summary, the available evidence is currently insufficient to determine the role of this variant in disease. Therefore, it has been classified as a Variant of Uncertain Significance.

Ambry Genetics
Classification: Uncertain significance for Familial thoracic aortic aneurysm and aortic dissection. Last evaluated: 2021-10-29. Review status: criteria provided, single submitter. Criteria: Ambry Variant Classification Scheme 2023. Collection method: clinical testing. Allele origin: germline.
Comment: The p.R1523L variant (also known as c.4568G>T), located in coding exon 25 of the NOTCH1 gene, results from a G to T substitution at nucleotide position 4568. The arginine at codon 1523 is replaced by leucine, an amino acid with dissimilar properties. This amino acid position is conserved. In addition, this alteration is predicted to be tolerated by in silico analysis. Since supporting evidence is limited at this time, the clinical significance of this alteration remains unclear.